The following is an entry in ClinVar:

ClinVar aggregate classification (germline): Uncertain significance. Review status: criteria provided, multiple submitters, no conflicts (2 of 4 stars). 3 submissions from 3 submitters: Uncertain significance (3). Last evaluated 2026-01-13.

Conditions:
Juvenile polyposis syndrome (JPS). Identifiers: Orphanet 2929, MedGen C0345893, MONDO:0017380, OMIM 174900.
Hereditary cancer-predisposing syndrome. Also called: Neoplastic Syndromes, Hereditary; Hereditary Cancer Syndrome; Hereditary neoplastic syndrome; Tumor predisposition. Identifiers: Orphanet 140162, MedGen C0027672, MeSH D009386, MONDO:0015356.

Submissions (3):

Labcorp Genetics (formerly Invitae), Labcorp
Classification: Uncertain significance for Juvenile polyposis syndrome. Last evaluated: 2026-01-13. Review status: criteria provided, single submitter. Criteria: Invitae Variant Classification Sherloc (09022015). Collection method: clinical testing. Allele origin: germline.
Comment: This sequence change replaces tyrosine, which is neutral and polar, with histidine, which is basic and polar, at codon 245 of the BMPR1A protein (p.Tyr245His). This variant is not present in population databases (gnomAD no frequency). This variant has not been reported in the literature in individuals affected with BMPR1A-related conditions. ClinVar contains an entry for this variant (Variation ID: 826976). Invitae Evidence Modeling of protein sequence and biophysical properties (such as structural, functional, and spatial information, amino acid conservation, physicochemical variation, residue mobility, and thermodynamic stability) has been performed for this missense variant. However, the output from this modeling did not meet the statistical confidence thresholds required to predict the impact of this variant on BMPR1A protein function. In summary, the available evidence is currently insufficient to determine the role of this variant in disease. Therefore, it has been classified as a Variant of Uncertain Significance.

Ambry Genetics
Classification: Uncertain significance for Hereditary cancer-predisposing syndrome. Last evaluated: 2024-03-08. Review status: criteria provided, single submitter. Criteria: Ambry Variant Classification Scheme 2023. Collection method: clinical testing. Allele origin: germline.
Comment: The p.Y245H variant (also known as c.733T>C), located in coding exon 7 of the BMPR1A gene, results from a T to C substitution at nucleotide position 733. The tyrosine at codon 245 is replaced by histidine, an amino acid with similar properties. This amino acid position is highly conserved in available vertebrate species. In addition, this alteration is predicted to be deleterious by in silico analysis. Since supporting evidence is limited at this time, the clinical significance of this alteration remains unclear.

Color Diagnostics, LLC DBA Color Health
Classification: Uncertain significance for Hereditary cancer-predisposing syndrome. Last evaluated: 2024-03-06. Review status: criteria provided, single submitter. Criteria: ACMG Guidelines, 2015. Collection method: clinical testing. Allele origin: germline.
Comment: This missense variant replaces tyrosine with histidine at codon 245 of the BMPR1A protein. Computational prediction tool suggests that this variant may have deleterious impact on protein structure and function (internally defined REVEL score threshold >=0.7, PMID: 27666373). Splice site prediction tools suggest that this variant may not impact RNA splicing. To our knowledge, functional studies have not been performed for this variant. This variant has not been reported in individuals affected with hereditary cancer in the literature. This variant has not been identified in the general population by the Genome Aggregation Database (gnomAD). The available evidence is insufficient to determine the role of this variant in disease conclusively. Therefore, this variant is classified as a Variant of Uncertain Significance.

NM_004329.3(BMPR1A):c.733T>C (p.Tyr245His)

Gene: BMPR1A (bone morphogenetic protein receptor type 1A; plus strand). Cytogenetic location: 10q23.2.
Variant type: single nucleotide variant.
Coding change: c.733T>C on transcript NM_004329.3 (MANE Select); coding-DNA position 733, T replaced by C.
Protein change: p.Tyr245His; replaces tyrosine 245 with histidine.
Molecular consequence: missense variant.
Genome position (GRCh38, 1-based): chr10:86,917,191, T>C. VCF-style: chr10-86917191-T-C. GRCh37 (hg19) VCF-style: chr10-88676948-T-C.
Other names: short protein forms Y245H.
Identifiers: ClinVar variation 826976 (VCV000826976.16), dbSNP rs369012159, ClinGen allele CA377457359.